The following is an entry in ClinVar:

ClinVar aggregate classification (germline): Likely benign. Review status: criteria provided, single submitter (1 of 4 stars). 2 submissions from 2 submitters: Likely benign (1). 1 of the submissions does not count toward it. Last evaluated 2025-12-17.

Conditions:
PLXNA1-related disorder. Also called: PLXNA1-related condition.

Allele frequency attached by ClinVar (database versions not stated): gnomAD exomes 0.00002; TOPMed 0.00002; ExAC 0.00003; gnomAD 0.00003.
gnomAD v4.1: 38 of 1,613,230 alleles (0.0024%); highest among the groups gnomAD compares: African/African-American, 0.004%; no homozygotes.

Submissions (2):

Labcorp Genetics (formerly Invitae), Labcorp
Classification: Likely benign. Last evaluated: 2025-12-17. Review status: criteria provided, single submitter. Criteria: Invitae Variant Classification Sherloc (09022015). Collection method: clinical testing. Allele origin: germline.

PreventionGenetics, part of Exact Sciences
Classification: Likely benign for PLXNA1-related condition. Last evaluated: 2023-05-22. Review status: no assertion criteria provided. Collection method: clinical testing. Allele origin: germline. Not counted in ClinVar's aggregate classification.
Comment: This variant is classified as likely benign based on ACMG/AMP sequence variant interpretation guidelines (Richards et al. 2015 PMID: 25741868, with internal and published modifications).

NM_032242.4(PLXNA1):c.3543C>T (p.Pro1181=)

Gene: PLXNA1 (plexin A1; plus strand). Cytogenetic location: 3q21.3.
Variant type: single nucleotide variant.
Coding change: c.3543C>T on transcript NM_032242.4 (MANE Select); coding-DNA position 3543, C replaced by T.
Protein change: p.Pro1181=; no amino-acid change (proline 1181 retained).
Molecular consequence: synonymous variant.
Genome position (GRCh38, 1-based): chr3:127,017,775, C>T. VCF-style: chr3-127017775-C-T. GRCh37 (hg19) VCF-style: chr3-126736618-C-T.
Identifiers: ClinVar variation 3029709 (VCV003029709.3), dbSNP rs546282052, ClinGen allele CA2594066.